The following is an entry in ClinVar:

NM_014806.5(RUSC2):c.4115dup (p.Asn1372fs)

Gene: RUSC2 (RUN and SH3 domain containing 2; plus strand). Cytogenetic location: 9p13.3.
Variant type: Duplication.
Coding change: c.4115dup on transcript NM_014806.5 (MANE Select); coding-DNA position 4115, one base duplicated (A; older notation c.4115dupA).
Protein change: p.Asn1372fs; shifts the reading frame from asparagine 1372.
Molecular consequence: frameshift variant. On other transcripts: non-coding transcript variant (1).
Genome position (GRCh38, 1-based): chr9:35,560,755, A duplicated; the last of 4 consecutive A bases (chr9:35,560,752-35,560,755); duplicating any one gives the same sequence. VCF-style (leftmost placement, unchanged base first): chr9-35560751-G-GA. GRCh37 (hg19) VCF-style: chr9-35560748-G-GA.
Other names: c.4115dup, p.Asn1372fs (NM_001135999.2); c.1481dup, p.Asn494fs (NM_001330740.2); short protein forms N1372fs, N494fs.
Identifiers: ClinVar variation 4886444 (VCV004886444.2).

ClinVar aggregate classification (germline): Likely pathogenic (1 of 4 stars; one submission).

Submission:

Dasa
Classification: Likely pathogenic. Last evaluated: 2024-10-09. Review status: criteria provided, single submitter. Criteria: DASA Assertion Criteria. Collection method: clinical testing. Allele origin: germline.
Comment: NM_014806.5(RUSC2):c.4115dup (p.Asn1372Lysfs*2) is a frameshift variant in RUSC2 predicted to alter the reading frame and introduce a premature termination codon and is predicted to result in an absent or altered protein product. Loss of function is an established disease mechanism for RUSC2-associated disorders. Also, this variant is absent from population databases. Based on the currently available evidence, this variant is classified as likely pathogenic.